The following is an entry in ClinVar:

ClinVar aggregate classification (germline): Conflicting classifications of pathogenicity. Review status: criteria provided, conflicting classifications (1 of 4 stars). 5 submissions from 5 submitters: Uncertain significance (4); Likely benign (1). Last evaluated 2025-12-05.

Conditions:
Inborn genetic diseases. Identifiers: MedGen C0950123, MeSH D030342.
Developmental and epileptic encephalopathy, 42 (DEE42A). Also called: DEVELOPMENTAL AND EPILEPTIC ENCEPHALOPATHY 42A; EPILEPTIC ENCEPHALOPATHY, EARLY INFANTILE, 42A; Epileptic encephalopathy, early infantile, 42. Identifiers: MedGen C4310716, MONDO:0014917, OMIM 617106.
Episodic ataxia type 2 (EA2). Also called: ATAXIA, EPISODIC, WITH NYSTAGMUS; ATAXIA, FAMILIAL PAROXYSMAL; CEREBELLAR ATAXIA, PAROXYSMAL, ACETAZOLAMIDE-RESPONSIVE; CEREBELLOPATHY, HEREDITARY PAROXYSMAL; ACETAZOLAMIDE-RESPONSIVE HEREDITARY PAROXYSMAL CEREBELLAR ATAXIA; EPISODIC ATAXIA, NYSTAGMUS-ASSOCIATED. Identifiers: Orphanet 97, MedGen C1720416, MONDO:0007163, OMIM 108500.

gnomAD v4.1: 45 of 1,389,132 alleles (0.0032%); highest among the groups gnomAD compares: Non-Finnish European, 0.0039%; no homozygotes.

Submissions (5):

Labcorp Genetics (formerly Invitae), Labcorp
Classification: Uncertain significance for Developmental and epileptic encephalopathy, 42; Episodic ataxia type 2. Last evaluated: 2025-12-05. Review status: criteria provided, single submitter. Criteria: Invitae Variant Classification Sherloc (09022015). Collection method: clinical testing. Allele origin: germline.
Comment: This sequence change replaces arginine, which is basic and polar, with histidine, which is basic and polar, at codon 2156 of the CACNA1A protein (p.Arg2156His). This variant is present in population databases (no rsID available, gnomAD 0.006%). This variant has not been reported in the literature in individuals affected with CACNA1A-related conditions. ClinVar contains an entry for this variant (Variation ID: 422167). Invitae Evidence Modeling of protein sequence and biophysical properties (such as structural, functional, and spatial information, amino acid conservation, physicochemical variation, residue mobility, and thermodynamic stability) indicates that this missense variant is not expected to disrupt CACNA1A protein function with a negative predictive value of 95%. In summary, the available evidence is currently insufficient to determine the role of this variant in disease. Therefore, it has been classified as a Variant of Uncertain Significance.

Revvity Omics, Revvity
Classification: Uncertain significance. Last evaluated: 2022-08-12. Review status: criteria provided, single submitter. Criteria: ACMG Guidelines, 2015. Collection method: clinical testing. Allele origin: germline.

CeGaT Center for Human Genetics Tuebingen
Classification: Uncertain significance. Last evaluated: 2021-04-01. Review status: criteria provided, single submitter. Criteria: CeGaT Center For Human Genetics Tuebingen Variant Classification Criteria Version 2. Collection method: clinical testing. Allele origin: germline. Affected: yes. Observed: 3 variant alleles.

GeneDx
Classification: Uncertain significance. Last evaluated: 2020-12-10. Review status: criteria provided, single submitter. Criteria: GeneDx Variant Classification Process June 2021. Collection method: clinical testing. Allele origin: germline. Affected: yes.
Comment: Not observed at a significant frequency in large population cohorts (Lek et al., 2016); In silico analysis supports that this missense variant does not alter protein structure/function; Has not been previously published as pathogenic or benign to our knowledge; This variant is associated with the following publications: (PMID: 32038460)

Ambry Genetics
Classification: Likely benign for Inborn genetic diseases. Last evaluated: 2017-05-18. Review status: criteria provided, single submitter. Criteria: Ambry Variant Classification Scheme 2023. Collection method: clinical testing. Allele origin: germline.

NM_001127222.2(CACNA1A):c.6464G>A (p.Arg2155His)

Gene: CACNA1A (calcium voltage-gated channel subunit alpha1 A; minus strand). Cytogenetic location: 19p13.13.
Variant type: single nucleotide variant.
Coding change: c.6464G>A on transcript NM_001127222.2 (MANE Select); coding-DNA position 6464, G replaced by A.
Protein change: p.Arg2155His; replaces arginine 2155 with histidine.
Molecular consequence: missense variant.
Genome position (GRCh38, 1-based): chr19:13,209,374, C>T on the plus strand (G>A on the coding strand, the complement: CACNA1A is on the minus strand). VCF-style: chr19-13209374-C-T. GRCh37 (hg19) VCF-style: chr19-13320188-C-T.
Other names: c.6482G>A, p.Arg2161His (NM_000068.4, NM_023035.3); c.6467G>A, p.Arg2156His (NM_001127221.2); c.6473G>A, p.Arg2158His (NM_001174080.2); short protein forms R2156H, R2158H, R2161H, R2155H.
Identifiers: ClinVar variation 422167 (VCV000422167.55), dbSNP rs572722130, ClinGen allele CA16620771.